The following is an entry in ClinVar:

NM_001379500.1(COL18A1):c.95C>T (p.Ser32Phe)

Genes: BNAT1 (breast cancer associated ESR1 regulating natural antisense transcript 1; minus strand), COL18A1 (collagen type XVIII alpha 1 chain; plus strand). Cytogenetic location: 21q22.3.
Variant type: single nucleotide variant.
Coding change: c.95C>T on transcript NM_001379500.1 (MANE Select); coding-DNA position 95, C replaced by T.
Protein change: p.Ser32Phe; replaces serine 32 with phenylalanine.
Molecular consequence: missense variant.
Genome position (GRCh38, 1-based): chr21:45,405,462, C>T. VCF-style: chr21-45405462-C-T. GRCh37 (hg19) VCF-style: chr21-46825377-C-T.
Other names: short protein forms S32F.
Identifiers: ClinVar variation 1446385 (VCV001446385.4), dbSNP rs1055793223, ClinGen allele CA321736809.

ClinVar aggregate classification (germline): Uncertain significance (1 of 4 stars; one submission).

Allele frequency attached by ClinVar (database versions not stated): gnomAD 0.00001; TOPMed 0.00002.

Submission:

Labcorp Genetics (formerly Invitae), Labcorp
Classification: Uncertain significance. Last evaluated: 2022-02-24. Review status: criteria provided, single submitter. Criteria: Invitae Variant Classification Sherloc (09022015). Collection method: clinical testing. Allele origin: germline.
Comment: In summary, the available evidence is currently insufficient to determine the role of this variant in disease. Therefore, it has been classified as a Variant of Uncertain Significance. Experimental studies and prediction algorithms are not available or were not evaluated, and the functional significance of this variant is currently unknown. This variant has not been reported in the literature in individuals affected with COL18A1-related conditions. This variant is not present in population databases (gnomAD no frequency). This sequence change replaces serine with phenylalanine at codon 32 of the COL18A1 protein (p.Ser32Phe). There is a large physicochemical difference between serine and phenylalanine.